The following is an entry in ClinVar:

ClinVar aggregate classification (germline): Likely pathogenic (1 of 4 stars; one submission).

Conditions:
Transcobalamin II deficiency (TCN2D). Also called: TC II DEFICIENCY; TCN2 DEFICIENCY; Transcolabamin II deficiency. Identifiers: Orphanet 859, MedGen C0342701, MONDO:0010149, OMIM 275350.

gnomAD v4.1: 1 of 1,613,408 alleles (0.000062%); highest among the groups gnomAD compares: Admixed American, 0.0017%; no homozygotes.

Submission:

Labcorp Genetics (formerly Invitae), Labcorp
Classification: Likely pathogenic for Transcobalamin II deficiency. Last evaluated: 2025-12-23. Review status: criteria provided, single submitter. Criteria: Invitae Variant Classification Sherloc (09022015). Collection method: clinical testing. Allele origin: germline.
Comment: This sequence change affects an acceptor splice site in intron 2 of the TCN2 gene. It is expected to disrupt RNA splicing. Variants that disrupt the donor or acceptor splice site typically lead to a loss of protein function (PMID: 16199547), and loss-of-function variants in TCN2 are known to be pathogenic (PMID: 7980584, 20352340). This variant is present in population databases (no rsID available, gnomAD 0.003%). This variant has not been reported in the literature in individuals affected with TCN2-related conditions. Algorithms developed to predict the effect of sequence changes on RNA splicing suggest that this variant may disrupt the consensus splice site. In summary, the currently available evidence indicates that the variant is pathogenic, but additional data are needed to prove that conclusively. Therefore, this variant has been classified as Likely Pathogenic.

Literature cited by the submitters: PubMed 16199547; PubMed 7980584; PubMed 20352340.

NM_000355.4(TCN2):c.258-1G>T

Gene: TCN2 (transcobalamin 2; plus strand). Cytogenetic location: 22q12.2.
Variant type: single nucleotide variant.
Coding change: c.258-1G>T on transcript NM_000355.4 (MANE Select); the canonical splice acceptor site of the intron before coding-DNA position 258, G replaced by T.
Molecular consequence: splice acceptor variant.
Genome position (GRCh38, 1-based): chr22:30,612,872, G>T. VCF-style: chr22-30612872-G-T. GRCh37 (hg19) VCF-style: chr22-31008859-G-T.
Other names: c.258-1G>T (NM_001184726.2).
Identifiers: ClinVar variation 4766219 (VCV004766219.1).
Genomic context (GRCh38, chr22:30,612,872, plus strand): 5'-GCTGTAAGCAGGCTTACGGGGTGGCAGTTTCTCACAAAGGCATTAACTGGCCTTGTCCTA[G>T]GTCTGCCTTCAGCGAGGATGACGGTGACTGCCAGGGCAAGCCTTCCATGGGCCAGCTGGC-3'